The following is an entry in ClinVar:

NM_015404.4(WHRN):c.2722T>C (p.Ter908Gln)

Gene: WHRN (whirlin; minus strand). Cytogenetic location: 9q32.
Variant type: single nucleotide variant.
Coding change: c.2722T>C on transcript NM_015404.4 (MANE Select); coding-DNA position 2722, T replaced by C.
Protein change: p.Ter908Gln.
Molecular consequence: stop lost.
Genome position (GRCh38, 1-based): chr9:114,402,756, A>G on the plus strand (T>C on the coding strand, the complement: WHRN is on the minus strand). VCF-style: chr9-114402756-A-G. GRCh37 (hg19) VCF-style: chr9-117165036-A-G.
Other names: *908Q; *525Q; *907Q; *557Q; c.1573T>C, p.Ter525Gln (NM_001083885.3); c.2719T>C, p.Ter907Gln (NM_001173425.2); c.1669T>C, p.Ter557Gln (NM_001346890.1).
Identifiers: ClinVar variation 179975 (VCV000179975.9), dbSNP rs727505255, ClinGen allele CA185551.

ClinVar aggregate classification (germline): Uncertain significance. Review status: criteria provided, multiple submitters, no conflicts (2 of 4 stars). 3 submissions from 3 submitters: Uncertain significance (3). Last evaluated 2023-02-16.

Conditions:
Autosomal recessive nonsyndromic hearing loss 31. Also called: WHIRLER, MOUSE, HOMOLOG OF. Identifiers: Orphanet 90636, MedGen C1846839, MONDO:0011767, OMIM 607084.
Usher syndrome type 2D. Also called: USHER SYNDROME, TYPE IID. Identifiers: Orphanet 231178, Orphanet 886, MedGen C1568249, MONDO:0012662, OMIM 611383.

Allele frequency attached by ClinVar (database versions not stated): gnomAD exomes below 0.00001.
gnomAD v4.1: 1 of 1,613,908 alleles (0.000062%); highest among the groups gnomAD compares: Non-Finnish European, 0.000085%; no homozygotes.

Submissions (3):

Labcorp Genetics (formerly Invitae), Labcorp
Classification: Uncertain significance. Last evaluated: 2023-02-16. Review status: criteria provided, single submitter. Criteria: Invitae Variant Classification Sherloc (09022015). Collection method: clinical testing. Allele origin: germline.
Comment: In summary, the available evidence is currently insufficient to determine the role of this variant in disease. Therefore, it has been classified as a Variant of Uncertain Significance. This sequence change disrupts the translational stop signal of the WHRN mRNA. It is expected to extend the length of the WHRN protein by 76 additional amino acid residues. This variant is not present in population databases (gnomAD no frequency). This variant has not been reported in the literature in individuals affected with WHRN-related conditions. ClinVar contains an entry for this variant (Variation ID: 179975).

Fulgent Genetics
Classification: Uncertain significance for Autosomal recessive nonsyndromic hearing loss 31; Usher syndrome type 2D. Last evaluated: 2021-10-11. Review status: criteria provided, single submitter. Criteria: ACMG Guidelines, 2015. Collection method: clinical testing. Allele origin: unknown.

Laboratory for Molecular Medicine, Mass General Brigham Personalized Medicine
Classification: Uncertain significance. Last evaluated: 2014-09-09. Review status: criteria provided, single submitter. Criteria: LMM Criteria. Collection method: clinical testing. Allele origin: germline. Observed: 1 variant allele.
Comment: The X908fs variant in DFNB31 has not been previously reported in individuals wit h hearing loss or in large population studies. This nonstop extension variant a lters the normal stop codon at position 908, leading to the addition of 77 amino acids. However, what effect this extension would have on the protein is unknow n. In summary, the clinical significance of this variant is uncertain.